The following is an entry in ClinVar:

NM_000016.6(ACADM):c.24C>A (p.Cys8Ter)

Gene: ACADM (acyl-CoA dehydrogenase medium chain; plus strand). Cytogenetic location: 1p31.1.
Variant type: single nucleotide variant.
Coding change: c.24C>A on transcript NM_000016.6 (MANE Select); coding-DNA position 24, C replaced by A.
Protein change: p.Cys8Ter; replaces cysteine 8 with a stop codon.
Molecular consequence: nonsense. On other transcripts: missense variant (1), 5 prime UTR variant (1).
Genome position (GRCh38, 1-based): chr1:75,724,811, C>A. VCF-style: chr1-75724811-C-A. GRCh37 (hg19) VCF-style: chr1-76190496-C-A.
Other names: c.24C>A, p.Cys8Ter (NM_001127328.3, NM_001286043.2); c.4C>A, p.Leu2Met (NM_001286042.2); c.-274C>A (NM_001286044.2); short protein forms C8*, L2M.
Identifiers: ClinVar variation 1420172 (VCV001420172.7), dbSNP rs2100332723, ClinGen allele CA340805696.

ClinVar aggregate classification (germline): Pathogenic/Likely pathogenic. Review status: criteria provided, multiple submitters, no conflicts (2 of 4 stars). 2 submissions from 2 submitters: Pathogenic (1); Likely pathogenic (1). Last evaluated 2023-02-08.

Conditions:
Medium-chain acyl-coenzyme A dehydrogenase deficiency (ACADMD). Also called: CARNITINE DEFICIENCY SECONDARY TO MEDIUM-CHAIN ACYL-CoA DEHYDROGENASE DEFICIENCY; MCADD; MCADH DEFICIENCY; Medium chain acyl-CoA dehydrogenase deficiency; MCAD Deficiency; ACADM DEFICIENCY. Identifiers: Orphanet 42, MedGen C0220710, MONDO:0008721, OMIM 201450.

Allele frequency attached by ClinVar (database versions not stated): gnomAD exomes below 0.00001.

Submissions (2):

Baylor Genetics
Classification: Likely pathogenic for Medium-chain acyl-coenzyme A dehydrogenase deficiency. Last evaluated: 2023-02-08. Review status: criteria provided, single submitter. Criteria: ACMG Guidelines, 2015. Collection method: clinical testing. Allele origin: unknown.

Labcorp Genetics (formerly Invitae), Labcorp
Classification: Pathogenic for Medium-chain acyl-coenzyme A dehydrogenase deficiency. Last evaluated: 2021-10-03. Review status: criteria provided, single submitter. Criteria: Invitae Variant Classification Sherloc (09022015). Collection method: clinical testing. Allele origin: germline.
Comment: This sequence change creates a premature translational stop signal (p.Cys8*) in the ACADM gene. It is expected to result in an absent or disrupted protein product. Loss-of-function variants in ACADM are known to be pathogenic (PMID: 16121256, 20434380). This variant is not present in population databases (ExAC no frequency). This variant has not been reported in the literature in individuals affected with ACADM-related conditions. For these reasons, this variant has been classified as Pathogenic.

Literature cited by the submitters: PubMed 16121256 (cited by Labcorp Genetics (formerly Invitae), Labcorp); PubMed 20434380 (cited by Labcorp Genetics (formerly Invitae), Labcorp).